The following is an entry in ClinVar:

NM_001267550.2(TTN):c.80125_80126dup (p.Asp26710fs)

Genes: TTN (titin; minus strand), TTN-AS1 (TTN antisense RNA 1; plus strand). Cytogenetic location: 2q31.2.
Variant type: Duplication.
Coding change: c.80125_80126dup on transcript NM_001267550.2 (MANE Select); coding-DNA positions 80125 to 80126, 2 bases duplicated (AT; older notation c.80125_80126dupAT).
Protein change: p.Asp26710fs; shifts the reading frame from aspartic acid 26710.
Molecular consequence: frameshift variant.
Genome position (GRCh38, 1-based): chr2:178,566,006-178,566,007, AT duplicated on the plus strand (AT on the coding strand, the reverse complement: TTN is on the minus strand). VCF-style (leftmost placement, unchanged base first): chr2-178566005-A-AAT. GRCh37 (hg19) VCF-style: chr2-179430732-A-AAT.
Other names: c.75202_75203dup, p.Asp25069fs (NM_001256850.1); c.52930_52931dup, p.Asp17645fs (NM_003319.4); c.72421_72422dup, p.Asp24142fs (NM_133378.4); c.53305_53306dup, p.Asp17770fs (NM_133432.3); c.53506_53507dup, p.Asp17837fs (NM_133437.4); c.52930_52931dupAT (NM_003319.4); short protein forms D17770fs, D24142fs, D25069fs, D17645fs, D26710fs, D17837fs.
Identifiers: ClinVar variation 840524 (VCV000840524.11), dbSNP rs1705700724, ClinGen allele CA916081345.

ClinVar aggregate classification (germline): Likely pathogenic. Review status: criteria provided, multiple submitters, no conflicts (2 of 4 stars). 2 submissions from 2 submitters: Likely pathogenic (2). Last evaluated 2024-06-17.

Conditions:
Dilated cardiomyopathy 1G (CMD1G). Identifiers: Orphanet 154, MedGen C1858763, MONDO:0011400, OMIM 604145.
Autosomal recessive limb-girdle muscular dystrophy type 2J (LGMDR10). Also called: Limb-girdle muscular dystrophy, type 2J; MUSCULAR DYSTROPHY, LIMB-GIRDLE, AUTOSOMAL RECESSIVE 10. Identifiers: Orphanet 140922, MedGen C1837342, MONDO:0012127, OMIM 608807.
Cardiovascular phenotype. Identifiers: MedGen CN230736.

Submissions (2):

Ambry Genetics
Classification: Likely pathogenic for Cardiovascular phenotype. Last evaluated: 2024-06-17. Review status: criteria provided, single submitter. Criteria: Ambry Variant Classification Scheme 2023. Collection method: clinical testing. Allele origin: germline.
Comment: The c.52930_52931dupAT variant, located in coding exon 153 of the TTN gene, results from a duplication of AT at nucleotide position 52930, causing a translational frameshift with a predicted alternate stop codon (p.D17645Lfs*11). This exon is located in the A-band region of the N2-B isoform of the titin protein and is constitutively expressed in TTN transcripts (percent spliced in or PSI 100%). This variant is considered to be rare based on population cohorts in the Genome Aggregation Database (gnomAD). This alteration is expected to result in loss of function by premature protein truncation or nonsense-mediated mRNA decay. While truncating variants in TTN are present in 1-3% of the general population, truncating variants in the A-band are the most common cause of dilated cardiomyopathy (DCM) (Herman DS et al. N. Engl. J. Med., 2012 Feb;366:619-28; Roberts AM et al. Sci Transl Med, 2015 Jan;7:270ra6). TTN truncating variants encoded in constitutive exons (PSI >90%) have been found to be significantly associated with DCM regardless of their position in titin (Schafer S et al. Nat. Genet., 2017 01;49:46-53). Based on the majority of available evidence to date, this variant is likely to be pathogenic.

Labcorp Genetics (formerly Invitae), Labcorp
Classification: Likely pathogenic for Dilated cardiomyopathy 1G; Autosomal recessive limb-girdle muscular dystrophy type 2J. Last evaluated: 2019-04-19. Review status: criteria provided, single submitter. Criteria: Invitae Variant Classification Sherloc (09022015). Collection method: clinical testing. Allele origin: germline.
Comment: This sequence change results in a premature translational stop signal in the TTN gene (p.Asp26710Leufs*11). While this is not anticipated to result in nonsense mediated decay, it is expected to create a truncated TTN protein. This variant is not present in population databases (ExAC no frequency). This variant has not been reported in the literature in individuals with TTN-related conditions. This variant is located in the A band of TTN (PMID: 25589632). Truncating variants in this region are significantly overrepresented in patients affected with dilated cardiomyopathy (PMID: 25589632). Truncating variants in this region have also been reported in individuals affected with autosomal recessive centronuclear myopathy (PMID: 23975875). In summary, the currently available evidence indicates that the variant is pathogenic, but additional data are needed to prove that conclusively. Therefore, this variant has been classified as Likely Pathogenic.

Literature cited by the submitters: PubMed 25589632 (cited by Labcorp Genetics (formerly Invitae), Labcorp); PubMed 23975875 (cited by Labcorp Genetics (formerly Invitae), Labcorp).